The following is an entry in ClinVar:

NM_000350.3(ABCA4):c.161-30C>G

Gene: ABCA4 (ATP binding cassette subfamily A member 4; minus strand). Cytogenetic location: 1p22.1.
Variant type: single nucleotide variant.
Coding change: c.161-30C>G on transcript NM_000350.3 (MANE Select); 30 bases into the intron before coding-DNA position 161, C replaced by G.
Molecular consequence: intron variant.
Genome position (GRCh38, 1-based): chr1:94,111,609, G>C on the plus strand (C>G on the coding strand, the complement: ABCA4 is on the minus strand). VCF-style: chr1-94111609-G-C. GRCh37 (hg19) VCF-style: chr1-94577165-G-C.
Other names: c.161-30C>G (NM_001425324.1).
Identifiers: ClinVar variation 4985105 (VCV004985105.1).
Genomic context (GRCh38, chr1:94,111,609, plus strand): 5'-GCTGAGGGCATCGCCTTGTTGGGGAAATGGCCTTTAAAACAGAAAATGAGGACAAGACGG[G>C]ATTAGTCATGGAGACCAAGCAGGATGCAGACCTAGGAGTTGGCCTTTTTGGGAAGGGGCC-3'

ClinVar aggregate classification (germline): Likely benign (1 of 4 stars; one submission).

Conditions:
ABCA4-related disorder. Also called: ABCA4-related condition; ABCA4-related disorders. Identifiers: MedGen CN239167.

Submission:

PreventionGenetics, part of Exact Sciences
Classification: Likely benign for ABCA4-related condition. Last evaluated: 2024-10-07. Review status: criteria provided, single submitter. Criteria: ACMG Guidelines, 2015. Collection method: clinical testing. Allele origin: germline.
Comment: This variant is classified as likely benign based on ACMG/AMP sequence variant interpretation guidelines (Richards et al. 2015 PMID: 25741868, with internal and published modifications).